The following is an entry in ClinVar:

ClinVar aggregate classification (germline): Uncertain significance (1 of 4 stars; one submission).

Conditions:
Hypertrophic cardiomyopathy 26. Also called: Cardiomyopathy, familial hypertrophic, 26. Identifiers: Orphanet 75249, MedGen C4310749, MONDO:0014883, OMIM 617047.
Myofibrillar myopathy 5. Also called: Filaminopathy (type); FILAMINOPATHY, AUTOSOMAL DOMINANT. Identifiers: Orphanet 171445, MedGen C1836050, MONDO:0012289, OMIM 609524.
Distal myopathy with posterior leg and anterior hand involvement. Also called: WILLIAMS DISTAL MYOPATHY. Identifiers: Orphanet 63273, MedGen C3279722, MONDO:0013550, OMIM 614065.

gnomAD v4.1: 1 of 1,613,572 alleles (0.000062%); no homozygotes.

Submission:

Labcorp Genetics (formerly Invitae), Labcorp
Classification: Uncertain significance for Distal myopathy with posterior leg and anterior hand involvement; Myofibrillar myopathy 5; Hypertrophic cardiomyopathy 26. Last evaluated: 2025-11-21. Review status: criteria provided, single submitter. Criteria: Invitae Variant Classification Sherloc (09022015). Collection method: clinical testing. Allele origin: germline.
Comment: This sequence change replaces serine, which is neutral and polar, with proline, which is neutral and non-polar, at codon 2627 of the FLNC protein (p.Ser2627Pro). This variant is not present in population databases (gnomAD no frequency). This variant has not been reported in the literature in individuals affected with FLNC-related conditions. An algorithm developed to predict the effect of missense changes on protein structure and function (PolyPhen-2) suggests that this variant is likely to be tolerated. In summary, the available evidence is currently insufficient to determine the role of this variant in disease. Therefore, it has been classified as a Variant of Uncertain Significance.

NM_001458.5(FLNC):c.7879T>C (p.Ser2627Pro)

Genes: FLNC-AS1 (FLNC antisense RNA 1; minus strand), FLNC (filamin C; plus strand). Cytogenetic location: 7q32.1.
Variant type: single nucleotide variant.
Coding change: c.7879T>C on transcript NM_001458.5 (MANE Select); coding-DNA position 7879, T replaced by C.
Protein change: p.Ser2627Pro; replaces serine 2627 with proline.
Molecular consequence: missense variant.
Genome position (GRCh38, 1-based): chr7:128,858,106, T>C. VCF-style: chr7-128858106-T-C. GRCh37 (hg19) VCF-style: chr7-128498160-T-C.
Other names: c.7780T>C, p.Ser2594Pro (NM_001127487.2); short protein forms S2594P, S2627P.
Identifiers: ClinVar variation 4812694 (VCV004812694.1).